The following is an entry in ClinVar:

ClinVar aggregate classification (germline): Uncertain significance (1 of 4 stars; one submission).

Conditions:
Hereditary cancer-predisposing syndrome. Also called: Tumor predisposition; Hereditary Cancer Syndrome; Neoplastic Syndromes, Hereditary; Hereditary neoplastic syndrome. Identifiers: Orphanet 140162, MedGen C0027672, MeSH D009386, MONDO:0015356.

Submission:

Color Diagnostics, LLC DBA Color Health
Classification: Uncertain significance for Hereditary cancer-predisposing syndrome. Last evaluated: 2021-08-09. Review status: criteria provided, single submitter. Criteria: ACMG Guidelines, 2015. Collection method: clinical testing. Allele origin: germline.
Comment: This variant causes deletion of 3 nucleotides within the intron 1 splice acceptor region of the CHEK2 gene. Splice site prediction tools predict that this variant may have a significant impact on RNA splicing, although this prediction has not been confirmed in published RNA studies. This variant has not been reported in individuals affected with hereditary cancer in the literature. This variant has been identified in 1/30654 chromosomes in the general population by the Genome Aggregation Database (gnomAD). The available evidence is insufficient to determine the role of this variant in disease conclusively. Therefore, this variant is classified as a Variant of Uncertain Significance.

NM_007194.4(CHEK2):c.-6-6_-6-4del

Gene: CHEK2 (checkpoint kinase 2; minus strand). Cytogenetic location: 22q12.1.
Variant type: Deletion.
Coding change: c.-6-6_-6-4del on transcript NM_007194.4 (MANE Select); 6 bases into the intron before 6 bases upstream of the start codon through 4 bases into the intron before 6 bases upstream of the start codon, 3 bases deleted (TTT; older notation c.-6-6_-6-4delTTT).
Molecular consequence: intron variant.
Genome position (GRCh38, 1-based): chr22:28,734,731-28,734,733, AAA deleted on the plus strand (TTT on the coding strand, the reverse complement: CHEK2 is on the minus strand); deleting any 3 consecutive bases within chr22:28,734,731-28,734,735 gives the same sequence; the c. name uses the placement nearest the transcript's 3' end. VCF-style (leftmost placement, unchanged base first): chr22-28734730-CAAA-C. GRCh37 (hg19) VCF-style: chr22-29130718-CAAA-C.
Other names: c.-345+7036_-345+7038del (NM_001437942.1); c.-6-6_-6-4del (NM_001349956.3, NM_145862.3, NM_001438295.1 and 3 more transcripts); c.-783-6_-783-4del (NM_001257387.3).
Identifiers: ClinVar variation 1332001 (VCV001332001.2), dbSNP rs1183266210, ClinGen allele CA638954366.